The following is an entry in ClinVar:

ClinVar aggregate classification (germline): Pathogenic (1 of 4 stars; one submission).

Conditions:
Inborn genetic diseases. Identifiers: MedGen C0950123, MeSH D030342.

Submission:

Ambry Genetics
Classification: Pathogenic for Inborn genetic diseases. Last evaluated: 2025-11-24. Review status: criteria provided, single submitter. Criteria: Ambry Variant Classification Scheme 2023. Collection method: clinical testing. Allele origin: germline.
Comment: The c.4791_4794dupAACA (p.V1599Nfs*271) alteration, located in exon 27 (coding exon 25) of the KMT2E gene, consists of a duplication of AACA at position 4791, causing a translational frameshift with a predicted alternate stop codon after 271 amino acids. This alteration occurs at the 3' terminus of the KMT2E gene, is not expected to trigger nonsense-mediated mRNA decay and results in the elongation of the protein by 12 amino acids. This frameshift impacts the last 13% of the native protein. However, frameshifts are typically deleterious in nature, the impacted region is critical for protein function, and a significant portion of the protein is affected (Ambry internal data). This variant was not reported in population-based cohorts in the Genome Aggregation Database (gnomAD). Based on the available evidence, this alteration is classified as pathogenic.

NM_182931.3(KMT2E):c.4791_4794dup (p.Val1599fs)

Gene: KMT2E (lysine methyltransferase 2E (inactive); plus strand). Cytogenetic location: 7q22.3.
Variant type: Duplication.
Coding change: c.4791_4794dup on transcript NM_182931.3 (MANE Select); coding-DNA positions 4791 to 4794, 4 bases duplicated (AACA; older notation c.4791_4794dupAACA).
Protein change: p.Val1599fs; shifts the reading frame from valine 1599.
Molecular consequence: frameshift variant.
Genome position (GRCh38, 1-based): chr7:105,112,547-105,112,550, AACA duplicated; duplicating any 4 consecutive bases within chr7:105,112,545-105,112,550 gives the same sequence; the c. name uses the placement nearest the transcript's 3' end. VCF-style (leftmost placement, unchanged base first): chr7-105112544-G-GCAAA. GRCh37 (hg19) VCF-style: chr7-104752991-G-GCAAA.
Other names: c.4665_4668dup, p.Val1557fs (NM_001410908.1); c.4791_4794dup, p.Val1599fs (NM_018682.4); short protein forms V1557fs, V1599fs.
Identifiers: ClinVar variation 4623157 (VCV004623157.1).